The following is an entry in ClinVar:

ClinVar aggregate classification (germline): Uncertain significance (1 of 4 stars; one submission).

Conditions:
Epidermodysplasia verruciformis. Identifiers: Orphanet 302, MedGen C0014522, MONDO:0009176.

Allele frequency attached by ClinVar (database versions not stated): TOPMed 0.00002; gnomAD 0.00003; gnomAD exomes 0.00003 and 0.00005; ExAC 0.00005; 1000 Genomes Project 0.00020; 1000 Genomes Project 30x 0.00031.

Submission:

Labcorp Genetics (formerly Invitae), Labcorp
Classification: Uncertain significance for Epidermodysplasia verruciformis. Last evaluated: 2022-08-19. Review status: criteria provided, single submitter. Criteria: Invitae Variant Classification Sherloc (09022015). Collection method: clinical testing. Allele origin: germline.
Comment: This sequence change falls in intron 12 of the TMC8 gene. It does not directly change the encoded amino acid sequence of the TMC8 protein. It affects a nucleotide within the consensus splice site. This variant is present in population databases (rs201383384, gnomAD 0.02%). This variant has not been reported in the literature in individuals affected with TMC8-related conditions. ClinVar contains an entry for this variant (Variation ID: 1383770). Variants that disrupt the consensus splice site are a relatively common cause of aberrant splicing (PMID: 17576681, 9536098). Algorithms developed to predict the effect of sequence changes on RNA splicing suggest that this variant is not likely to affect RNA splicing. In summary, the available evidence is currently insufficient to determine the role of this variant in disease. Therefore, it has been classified as a Variant of Uncertain Significance.

Literature cited by the submitters: PubMed 17576681; PubMed 9536098.

NM_152468.5(TMC8):c.1533+5C>T

Genes: TMC8 (transmembrane channel like 8; plus strand), LOC130061795 (ATAC-STARR-seq lymphoblastoid active region 12864; plus strand). Cytogenetic location: 17q25.3.
Variant type: single nucleotide variant.
Coding change: c.1533+5C>T on transcript NM_152468.5 (MANE Select); 5 bases into the intron after coding-DNA position 1533, C replaced by T.
Molecular consequence: intron variant.
Genome position (GRCh38, 1-based): chr17:78,138,193, C>T. VCF-style: chr17-78138193-C-T. GRCh37 (hg19) VCF-style: chr17-76134274-C-T.
Identifiers: ClinVar variation 1383770 (VCV001383770.3), dbSNP rs201383384, ClinGen allele CA8796893.